The following is an entry in ClinVar:

ClinVar aggregate classification (germline): Benign/Likely benign. Review status: criteria provided, multiple submitters, no conflicts (2 of 4 stars). 2 submissions from 2 submitters: Benign (1); Likely benign (1). Last evaluated 2025-02-03.

Conditions:
Lynch syndrome 4 (LYNCH4). Also called: Hereditary non-polyposis colorectal cancer, type 4; Colorectal cancer, hereditary nonpolyposis, type 4. Identifiers: Orphanet 144, MedGen C1838333, MONDO:0013699, OMIM 614337. Disease mechanism: loss of function.

Submissions (2):

Myriad Genetics, Inc.
Classification: Benign for Lynch syndrome 4. Last evaluated: 2025-02-03. Review status: criteria provided, single submitter. Criteria: Myriad Autosomal Dominant, Autosomal Recessive and X-Linked Classification Criteria (2023). Collection method: clinical testing. Allele origin: unknown.
Comment: This variant is considered benign. This variant is a silent/synonymous amino acid change and it is not expected to impact splicing.

Department of Pathology and Laboratory Medicine, Sinai Health System
Classification: Likely benign for Lynch syndrome 4. Last evaluated: 2020-01-09. Review status: criteria provided, single submitter. Criteria: ACMG Guidelines, 2015. Collection method: clinical testing. Allele origin: germline. Affected: yes.

NM_000535.7(PMS2):c.2040T>G (p.Gly680=)

Gene: PMS2 (PMS1 homolog 2, mismatch repair system component; minus strand). Cytogenetic location: 7p22.1.
Variant type: single nucleotide variant.
Coding change: c.2040T>G on transcript NM_000535.7 (MANE Select); coding-DNA position 2040, T replaced by G.
Protein change: p.Gly680=; no amino-acid change (glycine 680 retained).
Molecular consequence: synonymous variant. On other transcripts: non-coding transcript variant (1), intron variant (4).
Genome position (GRCh38, 1-based): chr7:5,982,958, A>C on the plus strand (T>G on the coding strand, the complement: PMS2 is on the minus strand). VCF-style: chr7-5982958-A-C. GRCh37 (hg19) VCF-style: chr7-6022589-A-C.
Other names: c.1635T>G, p.Gly545= (NM_001322003.2, NM_001322004.2, NM_001322005.2 and 14 more transcripts); c.1884T>G, p.Gly628= (NM_001322006.2, NM_001406870.1); c.1722T>G, p.Gly574= (NM_001322007.2, NM_001322008.2, NM_001406876.1 and 1 more transcripts); c.1479T>G, p.Gly493= (NM_001322010.2, NM_001406906.1, NM_001406907.1); c.1107T>G, p.Gly369= (NM_001322011.2, NM_001322012.2); c.1467T>G, p.Gly489= (NM_001322013.2, NM_001406909.1); c.2040T>G, p.Gly680= (NM_001322014.2, NM_001406871.1); c.1731T>G, p.Gly577= (NM_001322015.2, NM_001406875.1, NM_001406877.1 and 5 more transcripts); and 16 more.
Identifiers: ClinVar variation 3780450 (VCV003780450.2).
Genomic context (GRCh38, chr7:5,982,958, plus strand): 5'-CTGGTCCACTATGAAGATATCCTCATTCAGTTTGGTTATTATAAATCCCAGGTTAAACTG[A>C]CCAATGATTTCCATTTCTGCAAACATCGTTTTACTGCAGGTAGAAAATGTTAATTATCAG-3'
Protein context (NP_000526.2, residues 670-690): KTMFAEMEII[Gly680=]QFNLGFIITK